The following is an entry in ClinVar:

ClinVar aggregate classification (germline): Uncertain significance (1 of 4 stars; one submission).

Submission:

Dasa
Classification: Uncertain significance. Last evaluated: 2025-04-06. Review status: criteria provided, single submitter. Criteria: DASA Assertion Criteria. Collection method: clinical testing. Allele origin: germline.
Comment: NM_004973.4(JARID2):c.3707C>G (p.Ser1236Cys) is a missense variant that results in the substitution of serine with cysteine. This variant is absent from population databases. Computational prediction algorithms are consistent with a benign effect. The currently available literature and clinical evidence are not sufficient to establish a definitive association between this variant and the reported condition. Therefore, this variant is classified as a variant of uncertain significance.

NM_004973.4(JARID2):c.3707C>G (p.Ser1236Cys)

Gene: JARID2 (jumonji and AT-rich interaction domain containing 2; plus strand). Cytogenetic location: 6p22.3.
Variant type: single nucleotide variant.
Coding change: c.3707C>G on transcript NM_004973.4 (MANE Select); coding-DNA position 3707, C replaced by G.
Protein change: p.Ser1236Cys; replaces serine 1236 with cysteine.
Molecular consequence: missense variant.
Genome position (GRCh38, 1-based): chr6:15,520,217, C>G. VCF-style: chr6-15520217-C-G. GRCh37 (hg19) VCF-style: chr6-15520448-C-G.
Other names: c.3191C>G, p.Ser1064Cys (NM_001267040.1); short protein forms S1064C, S1236C.
Identifiers: ClinVar variation 4881210 (VCV004881210.2).
Genomic context (GRCh38, chr6:15,520,217, plus strand): 5'-CAAAAAGAGGTCCCCGCAAGAGAGCGACAGTGGACGTGCCCCCCTCCCGTCTGTCAGCCT[C>G]CAGTTCATCCAAAAGTGCTTCGAGCTCATCATGAAGATGCCAACGCCCGTGGTCGATTTA-3'
Protein context (NP_004964.2, residues 1226-1246): VDVPPSRLSA[Ser1236Cys]SSSKSASSSS